The following is an entry in ClinVar:

ClinVar aggregate classification (germline): Uncertain significance (0 of 4 stars; one submission).

Conditions:
TBX2-related disorder. Also called: TBX2-related condition.

Allele frequency attached by ClinVar (database versions not stated): gnomAD exomes below 0.00001; TOPMed below 0.00001.

Submission:

PreventionGenetics, part of Exact Sciences
Classification: Uncertain significance for TBX2-related condition. Last evaluated: 2024-01-04. Review status: no assertion criteria provided. Collection method: clinical testing. Allele origin: germline.
Comment: The TBX2 c.2047G>T variant is predicted to result in premature protein termination (p.Glu683*). To our knowledge, this variant has not been reported in the literature. This variant is reported in 0.0065% of alleles in individuals of European (Non-Finnish) descent in gnomAD. Loss-of-function variants in TBX2, such as this nonsense variant, are not an established mechanism of disease. Additionally this variant is located within the terminal exon and therefore the transcript is not expected to undergo nonsense mediated decay. At this time, the clinical significance of this variant is uncertain due to the absence of conclusive functional and genetic evidence.

NM_005994.4(TBX2):c.2047G>T (p.Glu683Ter)

Gene: TBX2 (T-box transcription factor 2; plus strand). Cytogenetic location: 17q23.2.
Variant type: single nucleotide variant.
Coding change: c.2047G>T on transcript NM_005994.4 (MANE Select); coding-DNA position 2047, G replaced by T.
Protein change: p.Glu683Ter; replaces glutamic acid 683 with a stop codon.
Molecular consequence: nonsense.
Genome position (GRCh38, 1-based): chr17:61,408,414, G>T. VCF-style: chr17-61408414-G-T. GRCh37 (hg19) VCF-style: chr17-59485775-G-T.
Other names: short protein forms E683*.
Identifiers: ClinVar variation 2630840 (VCV002630840.3), dbSNP rs1206505563, ClinGen allele CA400477482.
Genomic context (GRCh38, chr17:61,408,414, plus strand): 5'-GCTCTCCGCAAAGTAGGGGCCCCATCCCGCGGTGCCCTGTCGCCCAGTGGCTCGGCCAAG[G>T]AGGCGGCCAATGAACTGCAGAGCATCCAGAGACTGGTGAGTGGGCTGGAGAGCCAGCGAG-3'